The following is an entry in ClinVar:

ClinVar aggregate classification (germline): Conflicting classifications of pathogenicity. Review status: criteria provided, conflicting classifications (1 of 4 stars). 7 submissions from 7 submitters: Uncertain significance (5); Likely benign (2). Last evaluated 2026-05-06.

Conditions:
H syndrome. Also called: Histiocytosis with joint contractures and sensorineural deafness; Hyperpigmentation, Cutaneous, with Hypertrichosis, Hepatosplenomegaly, Heart Anomalies, Hearing Loss, and Hypogonadism; HISTIOCYTOSIS AND LYMPHADENOPATHY WITH OR WITHOUT CUTANEOUS, CARDIAC, AND/OR ENDOCRINE FEATURES, JOINT CONTRACTURES, AND/OR DEAFNESS; HYPERPIGMENTATION, CUTANEOUS, WITH HYPERTRICHOSIS, HEPATOSPLENOMEGALY, HEART ANOMALIES, AND HYPOGONADISM WITH OR WITHOUT HEARING LOSS; PIGMENTED HYPERTRICHOSIS WITH INSULIN-DEPENDENT DIABETES MELLITUS; ROSAI-DORFMAN DISEASE, FAMILIAL. Identifiers: Orphanet 168569, MedGen C1864445, MONDO:0011273, OMIM 602782.
SLC29A3-related disorder. Also called: SLC29A3-related condition.

Allele frequency attached by ClinVar (database versions not stated): gnomAD exomes 0.00024 and 0.00054; TOPMed 0.00027; ESP Exome Variant Server 0.00031; gnomAD 0.00033; 1000 Genomes Project 30x 0.00047; 1000 Genomes Project 0.00060; ExAC 0.00022.
gnomAD v4.1: 833 of 1,614,058 alleles (0.052%); highest among the groups gnomAD compares: East Asian, 0.15%; 3 homozygotes.

Submissions (7):

PreventionGenetics, part of Exact Sciences
Classification: Uncertain significance for SLC29A3-related condition. Last evaluated: 2026-05-06. Review status: criteria provided, single submitter. Criteria: ACMG Guidelines, 2015. Collection method: clinical testing. Allele origin: germline.
Comment: The SLC29A3 c.325G>A variant is predicted to result in the amino acid substitution p.Val109Ile. To our knowledge, this variant has not been reported in the literature. This variant is reported in 0.033% of alleles in individuals of European (Non-Finnish) descent in gnomAD. At this time, the clinical significance of this variant is uncertain due to the absence of conclusive functional and genetic evidence.

Mayo Clinic Laboratories, Mayo Clinic
Classification: Likely benign. Last evaluated: 2025-04-28. Review status: criteria provided, single submitter. Criteria: ACMG Guidelines, 2015. Collection method: clinical testing. Allele origin: germline. Observed: 2 variant alleles.
Comment: BS2, BP4_moderate

Blueprint Genetics
Classification: Likely benign. Last evaluated: 2024-10-25. Review status: criteria provided, single submitter. Criteria: ACMG Guidelines, 2015. Collection method: clinical testing. Allele origin: germline.

Labcorp Genetics (formerly Invitae), Labcorp
Classification: Uncertain significance for H syndrome. Last evaluated: 2022-10-24. Review status: criteria provided, single submitter. Criteria: Invitae Variant Classification Sherloc (09022015). Collection method: clinical testing. Allele origin: germline.
Comment: This sequence change replaces valine, which is neutral and non-polar, with isoleucine, which is neutral and non-polar, at codon 109 of the SLC29A3 protein (p.Val109Ile). This variant is present in population databases (rs138640615, gnomAD 0.03%). This variant has not been reported in the literature in individuals affected with SLC29A3-related conditions. ClinVar contains an entry for this variant (Variation ID: 287017). Advanced modeling of protein sequence and biophysical properties (such as structural, functional, and spatial information, amino acid conservation, physicochemical variation, residue mobility, and thermodynamic stability) performed at Invitae indicates that this missense variant is not expected to disrupt SLC29A3 protein function. In summary, the available evidence is currently insufficient to determine the role of this variant in disease. Therefore, it has been classified as a Variant of Uncertain Significance.

Illumina Laboratory Services, Illumina
Classification: Uncertain significance for H syndrome. Last evaluated: 2018-01-13. Review status: criteria provided, single submitter. Criteria: ICSL Variant Classification Criteria 13 December 2019. Collection method: clinical testing. Allele origin: germline.

Eurofins Ntd Llc (ga)
Classification: Uncertain significance. Last evaluated: 2016-04-19. Review status: criteria provided, single submitter. Criteria: EGL Classification Definitions 2015. Collection method: clinical testing. Allele origin: germline. Observed: 1 variant allele, 1 heterozygote.

Breakthrough Genomics
Classification: Uncertain significance. Review status: criteria provided, single submitter. Criteria: ACMG Guidelines, 2015. Collection method: not provided. Allele origin: germline. Inheritance: Autosomal recessive inheritance. Affected: yes.

NM_018344.6(SLC29A3):c.325G>A (p.Val109Ile)

Genes: SLC29A3 (solute carrier family 29 member 3; plus strand), LOC105378353 (uncharacterized LOC105378353; minus strand). Cytogenetic location: 10q22.1.
Variant type: single nucleotide variant.
Coding change: c.325G>A on transcript NM_018344.6 (MANE Select); coding-DNA position 325, G replaced by A.
Protein change: p.Val109Ile; replaces valine 109 with isoleucine.
Molecular consequence: missense variant.
Genome position (GRCh38, 1-based): chr10:71,344,233, G>A. VCF-style: chr10-71344233-G-A. GRCh37 (hg19) VCF-style: chr10-73103990-G-A.
Other names: p.Val109Ile; c.325G>A, p.Val109Ile (NM_001174098.2); c.91G>A, p.Val31Ile (NM_001363518.2); short protein forms V109I, V31I.
Identifiers: ClinVar variation 287017 (VCV000287017.18), dbSNP rs138640615, ClinGen allele CA5542893.
Genomic context (GRCh38, chr10:71,344,233, plus strand): 5'-AGTGACCGCAGCACCTCCTCACTTGTGTGCTTGCAGAACTACTTTGAGAGCTACCTTGCC[G>A]TTGCCTCCACCGTGCCCTCCATGCTGTGCCTGGTGGCCAACTTCCTGCTTGTCAACAGGT-3'
Protein context (NP_060814.4, residues 99-119): ILNYFESYLA[Val109Ile]ASTVPSMLCL